The following is an entry in ClinVar:

ClinVar aggregate classification (germline): Uncertain significance. Review status: criteria provided, multiple submitters, no conflicts (2 of 4 stars). 2 submissions from 2 submitters: Uncertain significance (2). Last evaluated 2024-06-19.

Conditions:
Polycystic kidney disease 4 (PKD4). Also called: PKD3; POLYCYSTIC KIDNEY AND HEPATIC DISEASE 1; POLYCYSTIC KIDNEY DISEASE, INFANTILE, TYPE I; Autosomal Recessive Polycystic Kidney Disease – PKHD1; POLYCYSTIC KIDNEY DISEASE 4 WITH OR WITHOUT POLYCYSTIC LIVER DISEASE. Identifiers: MedGen C4540575, MONDO:0033004, OMIM 263200.

Allele frequency attached by ClinVar (database versions not stated): gnomAD exomes below 0.00001.
gnomAD v4.1: 4 of 1,585,924 alleles (0.00025%); highest among the groups gnomAD compares: Middle Eastern, 0.017%; no homozygotes.

Submissions (2):

Fulgent Genetics
Classification: Uncertain significance for Polycystic kidney disease 4. Last evaluated: 2024-06-19. Review status: criteria provided, single submitter. Criteria: ACMG Guidelines, 2015. Collection method: clinical testing. Allele origin: germline.

GeneDx
Classification: Uncertain significance. Last evaluated: 2020-11-13. Review status: criteria provided, single submitter. Criteria: GeneDx Variant Classification Process June 2021. Collection method: clinical testing. Allele origin: germline. Affected: yes.
Comment: Not observed in large population cohorts (Lek et al., 2016); In silico analysis supports that this missense variant has a deleterious effect on protein structure/function; Has not been previously published as pathogenic or benign to our knowledge

NM_138694.4(PKHD1):c.8621A>T (p.Asp2874Val)

Gene: PKHD1 (PKHD1 ciliary IPT domain containing fibrocystin/polyductin; minus strand). Cytogenetic location: 6p12.3.
Variant type: single nucleotide variant.
Coding change: c.8621A>T on transcript NM_138694.4 (MANE Select); coding-DNA position 8621, A replaced by T.
Protein change: p.Asp2874Val; replaces aspartic acid 2874 with valine.
Molecular consequence: missense variant.
Genome position (GRCh38, 1-based): chr6:51,772,723, T>A on the plus strand (A>T on the coding strand, the complement: PKHD1 is on the minus strand). VCF-style: chr6-51772723-T-A. GRCh37 (hg19) VCF-style: chr6-51637521-T-A.
Other names: c.8621A>T, p.Asp2874Val (NM_170724.3); short protein forms D2874V.
Identifiers: ClinVar variation 1306108 (VCV001306108.3), dbSNP rs1582601370, ClinGen allele CA364435047.